The following is an entry in ClinVar:

ClinVar aggregate classification (germline): Uncertain significance (1 of 4 stars; one submission).

Conditions:
Dystonia 16 (DYT16). Also called: DYT-PRKRA. Identifiers: Orphanet 210571, MedGen C2677567, MONDO:0012789, OMIM 612067.

Allele frequency attached by ClinVar (database versions not stated): gnomAD exomes below 0.00001 and 0.00002; gnomAD 0.00001; TOPMed 0.00002.
gnomAD v4.1: 9 of 1,563,494 alleles (0.00058%); highest among the groups gnomAD compares: African/African-American, 0.0014%; no homozygotes.

Submission:

Labcorp Genetics (formerly Invitae), Labcorp
Classification: Uncertain significance for Dystonia 16. Last evaluated: 2022-11-22. Review status: criteria provided, single submitter. Criteria: Invitae Variant Classification Sherloc (09022015). Collection method: clinical testing. Allele origin: germline.
Comment: In summary, the available evidence is currently insufficient to determine the role of this variant in disease. Therefore, it has been classified as a Variant of Uncertain Significance. Algorithms developed to predict the effect of missense changes on protein structure and function (SIFT, PolyPhen-2, Align-GVGD) all suggest that this variant is likely to be tolerated. ClinVar contains an entry for this variant (Variation ID: 1366434). This variant has not been reported in the literature in individuals affected with PRKRA-related conditions. This variant is present in population databases (no rsID available, gnomAD 0.004%). This sequence change replaces glutamic acid, which is acidic and polar, with lysine, which is basic and polar, at codon 14 of the PRKRA protein (p.Glu14Lys).

NM_003690.5(PRKRA):c.40G>A (p.Glu14Lys)

Gene: PRKRA (protein activator of interferon induced protein kinase EIF2AK2; minus strand). Cytogenetic location: 2q31.2.
Variant type: single nucleotide variant.
Coding change: c.40G>A on transcript NM_003690.5 (MANE Select); coding-DNA position 40, G replaced by A.
Protein change: p.Glu14Lys; replaces glutamic acid 14 with lysine.
Molecular consequence: missense variant. On other transcripts: 5 prime UTR variant (1).
Genome position (GRCh38, 1-based): chr2:178,450,991, C>T on the plus strand (G>A on the coding strand, the complement: PRKRA is on the minus strand). VCF-style: chr2-178450991-C-T. GRCh37 (hg19) VCF-style: chr2-179315718-C-T.
Other names: c.-410G>A (NM_001316362.2); short protein forms E14K.
Identifiers: ClinVar variation 1366434 (VCV001366434.4), dbSNP rs933550231, ClinGen allele CA60939371.